The following is an entry in ClinVar:

ClinVar aggregate classification (germline): Likely pathogenic (1 of 4 stars; one submission).

Submission:

Labcorp Genetics (formerly Invitae), Labcorp
Classification: Likely pathogenic. Last evaluated: 2024-10-11. Review status: criteria provided, single submitter. Criteria: Invitae Variant Classification Sherloc (09022015). Collection method: clinical testing. Allele origin: germline.
Comment: This sequence change affects a donor splice site in intron 7 of the GNPTG gene. It is expected to disrupt RNA splicing. Variants that disrupt the donor or acceptor splice site typically lead to a loss of protein function (PMID: 16199547), and loss-of-function variants in GNPTG are known to be pathogenic (PMID: 19370764, 20301784). This variant is not present in population databases (gnomAD no frequency). This variant has not been reported in the literature in individuals affected with GNPTG-related conditions. Algorithms developed to predict the effect of sequence changes on RNA splicing suggest that this variant may disrupt the consensus splice site. In summary, the currently available evidence indicates that the variant is pathogenic, but additional data are needed to prove that conclusively. Therefore, this variant has been classified as Likely Pathogenic.

Literature cited by the submitters: PubMed 16199547; PubMed 19370764; PubMed 20301784.

NM_032520.5(GNPTG):c.526+1G>A

Gene: GNPTG (N-acetylglucosamine-1-phosphate transferase subunit gamma; plus strand). Cytogenetic location: 16p13.3.
Variant type: single nucleotide variant.
Coding change: c.526+1G>A on transcript NM_032520.5 (MANE Select); the canonical splice donor site of the intron after coding-DNA position 526, G replaced by A.
Molecular consequence: splice donor variant.
Genome position (GRCh38, 1-based): chr16:1,362,321, G>A. VCF-style: chr16-1362321-G-A. GRCh37 (hg19) VCF-style: chr16-1412322-G-A.
Identifiers: ClinVar variation 3658678 (VCV003658678.2).